The following is an entry in ClinVar:

ClinVar aggregate classification (germline): Likely benign. Review status: criteria provided, multiple submitters, no conflicts (2 of 4 stars). 5 submissions from 5 submitters: Likely benign (4). 1 of the submissions does not count toward it. Last evaluated 2025-12-27.

Conditions:
TPP1-related disorder. Also called: TPP1-related condition.
Inborn genetic diseases. Identifiers: MedGen C0950123, MeSH D030342.

Allele frequency attached by ClinVar (database versions not stated): gnomAD 0.00009 and 0.00010; TOPMed 0.00009; gnomAD exomes 0.00013 and 0.00017; ExAC 0.00014.

Submissions (5):

Labcorp Genetics (formerly Invitae), Labcorp
Classification: Likely benign. Last evaluated: 2025-12-27. Review status: criteria provided, single submitter. Criteria: Invitae Variant Classification Sherloc (09022015). Collection method: clinical testing. Allele origin: germline.

Blueprint Genetics
Classification: Likely benign. Last evaluated: 2023-08-23. Review status: criteria provided, single submitter. Criteria: ACMG Guidelines, 2015. Collection method: clinical testing. Allele origin: germline.

Ambry Genetics
Classification: Likely benign for Inborn genetic diseases. Last evaluated: 2020-01-30. Review status: criteria provided, single submitter. Criteria: Ambry Variant Classification Scheme 2023. Collection method: clinical testing. Allele origin: germline.

GeneDx
Classification: Likely benign. Last evaluated: 2016-02-11. Review status: criteria provided, single submitter. Criteria: GeneDx Variant Classification (06012015). Collection method: clinical testing. Allele origin: germline. Affected: yes.
Comment: This variant is considered likely benign or benign based on one or more of the following criteria: it is a conservative change, it occurs at a poorly conserved position in the protein, it is predicted to be benign by multiple in silico algorithms, and/or has population frequency not consistent with disease.

PreventionGenetics, part of Exact Sciences
Classification: Likely benign for TPP1-related condition. Last evaluated: 2019-07-11. Review status: no assertion criteria provided. Collection method: clinical testing. Allele origin: germline. Not counted in ClinVar's aggregate classification.
Comment: This variant is classified as likely benign based on ACMG/AMP sequence variant interpretation guidelines (Richards et al. 2015 PMID: 25741868, with internal and published modifications).

NM_000391.4(TPP1):c.318C>T (p.Ala106=)

Gene: TPP1 (tripeptidyl peptidase 1; minus strand). Cytogenetic location: 11p15.4.
Variant type: single nucleotide variant.
Coding change: c.318C>T on transcript NM_000391.4 (MANE Select); coding-DNA position 318, C replaced by T.
Protein change: p.Ala106=; no amino-acid change (alanine 106 retained).
Molecular consequence: synonymous variant.
Genome position (GRCh38, 1-based): chr11:6,617,688, G>A on the plus strand (C>T on the coding strand, the complement: TPP1 is on the minus strand). VCF-style: chr11-6617688-G-A. GRCh37 (hg19) VCF-style: chr11-6638919-G-A.
Identifiers: ClinVar variation 378755 (VCV000378755.16), dbSNP rs774528021, ClinGen allele CA5858993.